The following is an entry in ClinVar:

ClinVar aggregate classification (germline): Uncertain significance. Review status: criteria provided, multiple submitters, no conflicts (2 of 4 stars). 2 submissions from 2 submitters: Uncertain significance (2). Last evaluated 2025-10-02.

Conditions:
DPM3-congenital disorder of glycosylation (MDDGC15). Also called: MUSCULAR DYSTROPHY-DYSTROGLYCANOPATHY (LIMB-GIRDLE), TYPE C, 15; CDG Io; CDG1(DPM3); DPM3-CDG. Identifiers: Orphanet 263494, MedGen C2752007, MONDO:0013049, OMIM 612937.

gnomAD v4.1: 1 of 1,614,060 alleles (0.000062%); highest among the groups gnomAD compares: Middle Eastern, 0.017%; no homozygotes.

Submissions (2):

Labcorp Genetics (formerly Invitae), Labcorp
Classification: Uncertain significance for DPM3-congenital disorder of glycosylation. Last evaluated: 2025-10-02. Review status: criteria provided, single submitter. Criteria: Invitae Variant Classification Sherloc (09022015). Collection method: clinical testing. Allele origin: germline.
Comment: This sequence change replaces tyrosine, which is neutral and polar, with serine, which is neutral and polar, at codon 59 of the DPM3 protein (p.Tyr59Ser). This variant is not present in population databases (gnomAD no frequency). This variant has not been reported in the literature in individuals affected with DPM3-related conditions. ClinVar contains an entry for this variant (Variation ID: 657783). An algorithm developed to predict the effect of missense changes on protein structure and function (PolyPhen-2) suggests that this variant is likely to be disruptive. In summary, the available evidence is currently insufficient to determine the role of this variant in disease. Therefore, it has been classified as a Variant of Uncertain Significance.

Revvity Omics, Revvity
Classification: Uncertain significance. Last evaluated: 2024-09-06. Review status: criteria provided, single submitter. Criteria: ACMG Guidelines, 2015. Collection method: clinical testing. Allele origin: germline.

NM_153741.2(DPM3):c.176A>C (p.Tyr59Ser)

Gene: DPM3 (dolichyl-phosphate mannosyltransferase subunit 3, regulatory; minus strand). Cytogenetic location: 1q22.
Variant type: single nucleotide variant.
Coding change: c.176A>C on transcript NM_153741.2 (MANE Select); coding-DNA position 176, A replaced by C.
Protein change: p.Tyr59Ser; replaces tyrosine 59 with serine.
Molecular consequence: missense variant.
Genome position (GRCh38, 1-based): chr1:155,140,065, T>G on the plus strand (A>C on the coding strand, the complement: DPM3 is on the minus strand). VCF-style: chr1-155140065-T-G. GRCh37 (hg19) VCF-style: chr1-155112541-T-G.
Other names: c.266A>C, p.Tyr89Ser (NM_018973.4); short protein forms Y59S, Y89S.
Identifiers: ClinVar variation 657783 (VCV000657783.7), dbSNP rs1055439022, ClinGen allele CA342663355.